The following is an entry in ClinVar:

ClinVar aggregate classification (germline): Conflicting classifications of pathogenicity. Review status: criteria provided, conflicting classifications (1 of 4 stars). 14 submissions from 13 submitters: Uncertain significance (1); Benign (3); Likely benign (10). Last evaluated 2026-09-01.

Conditions:
Maturity-onset diabetes of the young (MODY). Also called: Maturity onset diabetes mellitus in young. Identifiers: Orphanet 552, MedGen C0342276, MONDO:0018911, HP:0004904.
Familial hyperinsulinism. Also called: Congenital hyperinsulinism. Identifiers: Orphanet 276525, MedGen C3888018, MONDO:0017182. Disease mechanism: loss of function.
Maturity-onset diabetes of the young type 1. Also called: MILD JUVENILE DIABETES MELLITUS; MODY, type I; MODY type 1; Diabetes mellitus MODY type 1; MODY HNF4A related; HNF4A-Related Maturity-Onset Diabetes of the Young Type 1. Identifiers: Orphanet 552, MedGen C1852093, MONDO:0007452, OMIM 125850. Disease mechanism: loss of function.

Allele frequency attached by ClinVar (database versions not stated): TOPMed 0.00089; ESP Exome Variant Server 0.00108; gnomAD 0.00081 and 0.00084.
gnomAD v4.1: 2,204 of 1,613,008 alleles (0.14%); highest among the groups gnomAD compares: Non-Finnish European, 0.18%; no homozygotes.

Submissions (14):

CeGaT Center for Human Genetics Tuebingen
Classification: Likely benign. Last evaluated: 2026-09-01. Review status: criteria provided, single submitter. Criteria: CeGaT Center For Human Genetics Tuebingen Variant Classification Criteria Version 2. Collection method: clinical testing. Allele origin: germline. Affected: yes. Observed: 2 variant alleles.
Comment: HNF4A: BP4, BP7

Labcorp Genetics (formerly Invitae), Labcorp
Classification: Benign. Last evaluated: 2026-01-06. Review status: criteria provided, single submitter. Criteria: Invitae Variant Classification Sherloc (09022015). Collection method: clinical testing. Allele origin: germline.

ARUP Laboratories, Molecular Genetics and Genomics, ARUP Laboratories
Classification: Likely benign. Last evaluated: 2025-04-09. Review status: criteria provided, single submitter. Criteria: ARUP Molecular Germline Variant Investigation Process 2024. Collection method: clinical testing. Allele origin: germline.

Laboratory of Genetics, Children's Clinical University Hospital Latvia
Classification: Likely benign. Last evaluated: 2025-02-16. Review status: criteria provided, single submitter. Criteria: ACMG Guidelines, 2015. Collection method: clinical testing. Allele origin: germline. Affected: yes.

Blueprint Genetics
Classification: Likely benign. Last evaluated: 2024-11-27. Review status: criteria provided, single submitter. Criteria: ACMG Guidelines, 2015. Collection method: clinical testing. Allele origin: germline.

Ambry Genetics
Classification: Likely benign for Maturity-onset diabetes of the young. Last evaluated: 2022-08-16. Review status: criteria provided, single submitter. Criteria: Ambry Variant Classification Scheme 2023. Collection method: clinical testing. Allele origin: germline.

GeneDx
Classification: Likely benign. Last evaluated: 2021-04-19. Review status: criteria provided, single submitter. Criteria: GeneDx Variant Classification Process June 2021. Collection method: clinical testing. Allele origin: germline. Affected: yes.

Athena Diagnostics
Classification: Benign. Last evaluated: 2021-04-12. Review status: criteria provided, single submitter. Criteria: Athena Diagnostics criteria. Collection method: clinical testing. Allele origin: unknown.

Genetic Services Laboratory, University of Chicago
Classification: Likely benign. Last evaluated: 2018-09-04. Review status: criteria provided, single submitter. Criteria: ACMG Guidelines, 2015. Collection method: clinical testing. Allele origin: germline. Affected: no.

Illumina Laboratory Services, Illumina
Classification: Uncertain significance for Familial hyperinsulinism. Last evaluated: 2018-01-13. Review status: criteria provided, single submitter. Criteria: ICSL Variant Classification Criteria 13 December 2019. Collection method: clinical testing. Allele origin: germline.

Illumina Laboratory Services, Illumina
Classification: Likely benign for Maturity-onset diabetes of the young type 1. Last evaluated: 2018-01-13. Review status: criteria provided, single submitter. Criteria: ICSL Variant Classification Criteria 13 December 2019. Collection method: clinical testing. Allele origin: germline.
Comment: This variant was observed in the ICSL laboratory as part of a predisposition screen in an ostensibly healthy population. It had not been previously curated by ICSL or reported in the Human Gene Mutation Database (HGMD: prior to June 1st, 2018), and was therefore a candidate for classification through an automated scoring system. Utilizing variant allele frequency, disease prevalence and penetrance estimates, and inheritance mode, an automated score was calculated to assess if this variant is too frequent to cause the disease. Based on the score and internal cut-off values, a variant classified as likely benign is not then subjected to further curation. The score for this variant resulted in a classification of likely benign for this disease.

Women's Health and Genetics/Laboratory Corporation of America, LabCorp
Classification: Likely benign for MODY1. Last evaluated: 2011-08-18. Review status: criteria provided, single submitter. Criteria: LabCorp Variant Classification Summary - May 2015. Collection method: curation, clinical testing. Allele origin: germline. Inheritance: autosomal unknown. Affected: yes. Observed: 1 variant allele.
ClinVar note: Converted during submission from likely benign to Likely benign.

Clinical Genomics, Uppaluri K&H Personalized Medicine Clinic
Classification: Benign for Maturity-onset diabetes of the young. Review status: criteria provided, single submitter. Criteria: K & H Uppaluri Personalized Medicine Clinic Variant Classification & Assertion Criteria_Updated V.1. Collection method: research. Allele origin: unknown. Inheritance: Autosomal dominant inheritance.
Comment: Potent mutations in HNF4A are associated with poor insulin secretion in response to hyperglycemia. Associated with MODY1. Patients initially respond well to sulfonylureas but eventually become insulin dependent. However, more evidence is required to ascertain the role of this particular variant rs41282026 in MODY, yet.

PreventionGenetics, part of Exact Sciences
Classification: Likely benign. Review status: criteria provided, single submitter. Criteria: ACMG Guidelines, 2015. Collection method: clinical testing. Allele origin: germline.

Literature cited by the submitters: PubMed 10447526 (cited by Athena Diagnostics); DOI 10.1159/000334532 (cited by Clinical Genomics, Uppaluri K&H Personalized Medicine Clinic); PubMed 18268044 (cited by Clinical Genomics, Uppaluri K&H Personalized Medicine Clinic); PubMed 17563455 (cited by Clinical Genomics, Uppaluri K&H Personalized Medicine Clinic); PubMed 32583173 (cited by Clinical Genomics, Uppaluri K&H Personalized Medicine Clinic); PubMed 35052457 (cited by Clinical Genomics, Uppaluri K&H Personalized Medicine Clinic); PubMed 35118593 (cited by Clinical Genomics, Uppaluri K&H Personalized Medicine Clinic).

NM_175914.5(HNF4A):c.84G>A (p.Ala28=)

Gene: HNF4A (hepatocyte nuclear factor 4 alpha; plus strand). Cytogenetic location: 20q13.12.
Variant type: single nucleotide variant.
Coding change: c.84G>A on transcript NM_175914.5 (MANE Select); coding-DNA position 84, G replaced by A.
Protein change: p.Ala28=; no amino-acid change (alanine 28 retained).
Molecular consequence: synonymous variant.
Genome position (GRCh38, 1-based): chr20:44,406,092, G>A. VCF-style: chr20-44406092-G-A. GRCh37 (hg19) VCF-style: chr20-43034732-G-A.
Other names: c.150G>A, p.Ala50= (NM_000457.6, NM_178849.3, NM_178850.3); c.84G>A, p.Ala28= (NM_001030003.3, NM_001030004.3); c.129G>A, p.Ala43= (NM_001258355.2); c.75G>A, p.Ala25= (NM_001287182.2, NM_001287183.2, NM_001287184.2).
Identifiers: ClinVar variation 36347 (VCV000036347.37), dbSNP rs41282026, ClinGen allele CA213921.